The following is an entry in ClinVar:

NM_001854.4(COL11A1):c.4727T>C (p.Met1576Thr)

Gene: COL11A1 (collagen type XI alpha 1 chain; minus strand). Cytogenetic location: 1p21.1.
Variant type: single nucleotide variant.
Coding change: c.4727T>C on transcript NM_001854.4 (MANE Select); coding-DNA position 4727, T replaced by C.
Protein change: p.Met1576Thr; replaces methionine 1576 with threonine.
Molecular consequence: missense variant. On other transcripts: non-coding transcript variant (1).
Genome position (GRCh38, 1-based): chr1:102,886,938, A>G on the plus strand (T>C on the coding strand, the complement: COL11A1 is on the minus strand). VCF-style: chr1-102886938-A-G. GRCh37 (hg19) VCF-style: chr1-103352494-A-G.
Other names: c.4610T>C, p.Met1537Thr (NM_001190709.2); c.4763T>C, p.Met1588Thr (NM_080629.3); c.4379T>C, p.Met1460Thr (NM_080630.4); short protein forms M1460T, M1537T, M1588T, M1576T.
Identifiers: ClinVar variation 3660221 (VCV003660221.2).

ClinVar aggregate classification (germline): Uncertain significance (1 of 4 stars; one submission).

Submission:

Labcorp Genetics (formerly Invitae), Labcorp
Classification: Uncertain significance. Last evaluated: 2024-09-04. Review status: criteria provided, single submitter. Criteria: Invitae Variant Classification Sherloc (09022015). Collection method: clinical testing. Allele origin: germline.
Comment: This sequence change replaces methionine, which is neutral and non-polar, with threonine, which is neutral and polar, at codon 1576 of the COL11A1 protein (p.Met1576Thr). This variant is not present in population databases (gnomAD no frequency). This variant has not been reported in the literature in individuals affected with COL11A1-related conditions. Invitae Evidence Modeling of protein sequence and biophysical properties (such as structural, functional, and spatial information, amino acid conservation, physicochemical variation, residue mobility, and thermodynamic stability) indicates that this missense variant is not expected to disrupt COL11A1 protein function with a negative predictive value of 95%. In summary, the available evidence is currently insufficient to determine the role of this variant in disease. Therefore, it has been classified as a Variant of Uncertain Significance.